The following is an entry in ClinVar:

ClinVar aggregate classification (germline): Uncertain significance (1 of 4 stars; one submission).

gnomAD v4.1: 8 of 1,614,202 alleles (0.0005%); highest among the groups gnomAD compares: Non-Finnish European, 0.00068%; no homozygotes.

Submission:

Labcorp Genetics (formerly Invitae), Labcorp
Classification: Uncertain significance. Last evaluated: 2025-09-01. Review status: criteria provided, single submitter. Criteria: Invitae Variant Classification Sherloc (09022015). Collection method: clinical testing. Allele origin: germline.
Comment: This sequence change replaces isoleucine, which is neutral and non-polar, with threonine, which is neutral and polar, at codon 600 of the GHR protein (p.Ile600Thr). This variant is present in population databases (rs546952283, gnomAD 0.002%). This variant has not been reported in the literature in individuals affected with GHR-related conditions. Invitae Evidence Modeling of protein sequence and biophysical properties (such as structural, functional, and spatial information, amino acid conservation, physicochemical variation, residue mobility, and thermodynamic stability) indicates that this missense variant is not expected to disrupt GHR protein function with a negative predictive value of 80%. In summary, the available evidence is currently insufficient to determine the role of this variant in disease. Therefore, it has been classified as a Variant of Uncertain Significance.

NM_000163.5(GHR):c.1799T>C (p.Ile600Thr)

Gene: GHR (growth hormone receptor; plus strand). Cytogenetic location: 5p12.
Variant type: single nucleotide variant.
Coding change: c.1799T>C on transcript NM_000163.5 (MANE Select); coding-DNA position 1799, T replaced by C.
Protein change: p.Ile600Thr; replaces isoleucine 600 with threonine.
Molecular consequence: missense variant. On other transcripts: 3 prime UTR variant (1).
Genome position (GRCh38, 1-based): chr5:42,719,306, T>C. VCF-style: chr5-42719306-T-C. GRCh37 (hg19) VCF-style: chr5-42719408-T-C.
Other names: c.1820T>C, p.Ile607Thr (NM_001242399.2); c.1799T>C, p.Ile600Thr (NM_001242400.2, NM_001242401.4, NM_001242402.2 and 4 more transcripts); c.1733T>C, p.Ile578Thr (NM_001242460.2); c.*841T>C (NM_001242462.1); short protein forms I578T, I607T, I600T.
Identifiers: ClinVar variation 4696995 (VCV004696995.1).